The following is an entry in ClinVar:

ClinVar aggregate classification (germline): Benign/Likely benign. Review status: criteria provided, multiple submitters, no conflicts (2 of 4 stars). 3 submissions from 3 submitters: Benign (1); Likely benign (2). Last evaluated 2025-05-20.

Conditions:
Hereditary cancer-predisposing syndrome. Also called: Tumor predisposition; Neoplastic Syndromes, Hereditary; Hereditary Cancer Syndrome; Hereditary neoplastic syndrome. Identifiers: Orphanet 140162, MedGen C0027672, MeSH D009386, MONDO:0015356.
Tuberous sclerosis 2 (TSC2). Identifiers: Orphanet 805, MedGen C1860707, MONDO:0013199, OMIM 613254.

Allele frequency attached by ClinVar (database versions not stated): gnomAD exomes below 0.00001.
gnomAD v4.1: 2 of 1,613,104 alleles (0.00012%); highest among the groups gnomAD compares: Admixed American, 0.0017%; no homozygotes.

Submissions (3):

Myriad Genetics, Inc.
Classification: Benign for Tuberous sclerosis 2. Last evaluated: 2025-05-20. Review status: criteria provided, single submitter. Criteria: Myriad Autosomal Dominant, Autosomal Recessive and X-Linked Classification Criteria (2023). Collection method: clinical testing. Allele origin: unknown.
Comment: This variant is considered benign. This variant is a silent/synonymous amino acid change and it is not expected to impact splicing.

Labcorp Genetics (formerly Invitae), Labcorp
Classification: Likely benign for Tuberous sclerosis 2. Last evaluated: 2024-08-19. Review status: criteria provided, single submitter. Criteria: Invitae Variant Classification Sherloc (09022015). Collection method: clinical testing. Allele origin: germline.

Ambry Genetics
Classification: Likely benign for Hereditary cancer-predisposing syndrome. Last evaluated: 2023-03-09. Review status: criteria provided, single submitter. Criteria: Ambry Variant Classification Scheme 2023. Collection method: clinical testing. Allele origin: germline.

NM_000548.5(TSC2):c.2421C>T (p.Ala807=)

Gene: TSC2 (TSC complex subunit 2; plus strand). Cytogenetic location: 16p13.3.
Variant type: single nucleotide variant.
Coding change: c.2421C>T on transcript NM_000548.5 (MANE Select); coding-DNA position 2421, C replaced by T.
Protein change: p.Ala807=; no amino-acid change (alanine 807 retained).
Molecular consequence: synonymous variant.
Genome position (GRCh38, 1-based): chr16:2,074,265, C>T. VCF-style: chr16-2074265-C-T. GRCh37 (hg19) VCF-style: chr16-2124266-C-T.
Other names: c.2421C>T, p.Ala807= (NM_001077183.3, NM_001114382.3, NM_001363528.2 and 3 more transcripts); c.2310C>T, p.Ala770= (NM_001318827.2); c.2274C>T, p.Ala758= (NM_001318829.2); c.1821C>T, p.Ala607= (NM_001318831.2); c.2454C>T, p.Ala818= (NM_001318832.2).
Identifiers: ClinVar variation 413640 (VCV000413640.13), dbSNP rs1060504089, ClinGen allele CA16614950.